The following is an entry in ClinVar:

NM_000384.3(APOB):c.6839A>C (p.His2280Pro)

Gene: APOB (apolipoprotein B; minus strand). Cytogenetic location: 2p24.1.
Variant type: single nucleotide variant.
Coding change: c.6839A>C on transcript NM_000384.3 (MANE Select); coding-DNA position 6839, A replaced by C.
Protein change: p.His2280Pro; replaces histidine 2280 with proline.
Molecular consequence: missense variant.
Genome position (GRCh38, 1-based): chr2:21,010,029, T>G on the plus strand (A>C on the coding strand, the complement: APOB is on the minus strand). VCF-style: chr2-21010029-T-G. GRCh37 (hg19) VCF-style: chr2-21232901-T-G.
Other names: short protein forms H2280P.
Identifiers: ClinVar variation 1755717 (VCV001755717.5), dbSNP rs1663262962, ClinGen allele CA346000538.

ClinVar aggregate classification (germline): Uncertain significance. Review status: criteria provided, multiple submitters, no conflicts (2 of 4 stars). 2 submissions from 2 submitters: Uncertain significance (2). Last evaluated 2025-05-05.

Conditions:
Familial hypobetalipoproteinemia 1. Also called: APOB-Related Familial Hypobetalipoproteinemia; Hypobetalipoproteinemia, normotriglyceridemic; Acanthocytosis with hypobetalipoproteinemia. Identifiers: MedGen C4551990, MONDO:0014252, OMIM 615558.
Hypercholesterolemia, autosomal dominant, type B (FHCL2). Also called: Hyperlipoproteinemia Type IIb; Familial hypercholesterolemia 2; Familial Hypercholesterolemia Type B; APOLIPOPROTEIN B-100, FAMILIAL DEFECTIVE; APOLIPOPROTEIN B-100, FAMILIAL LIGAND-DEFECTIVE; HYPERCHOLESTEROLEMIA, FAMILIAL, DUE TO LIGAND-DEFECTIVE APOLIPOPROTEIN B. Identifiers: MedGen C1704417, MONDO:0007751, OMIM 144010.
Cardiovascular phenotype. Identifiers: MedGen CN230736.

Allele frequency attached by ClinVar (database versions not stated): TOPMed below 0.00001; gnomAD exomes 0.00001.
gnomAD v4.1: 6 of 1,613,570 alleles (0.00037%); highest among the groups gnomAD compares: Non-Finnish European, 0.00051%; no homozygotes.

Submissions (2):

Ambry Genetics
Classification: Uncertain significance for Cardiovascular phenotype. Last evaluated: 2025-05-05. Review status: criteria provided, single submitter. Criteria: Ambry Variant Classification Scheme 2023. Collection method: clinical testing. Allele origin: germline.
Comment: The p.H2280P variant (also known as c.6839A>C), located in coding exon 26 of the APOB gene, results from an A to C substitution at nucleotide position 6839. The histidine at codon 2280 is replaced by proline, an amino acid with similar properties. This amino acid position is conserved. In addition, this alteration is predicted to be tolerated by in silico analysis. Since supporting evidence is limited at this time, the clinical significance of this alteration remains unclear.

Labcorp Genetics (formerly Invitae), Labcorp
Classification: Uncertain significance for Familial hypobetalipoproteinemia 1; Hypercholesterolemia, autosomal dominant, type B. Last evaluated: 2024-07-12. Review status: criteria provided, single submitter. Criteria: Invitae Variant Classification Sherloc (09022015). Collection method: clinical testing. Allele origin: germline.
Comment: This sequence change replaces histidine, which is basic and polar, with proline, which is neutral and non-polar, at codon 2280 of the APOB protein (p.His2280Pro). This variant is not present in population databases (gnomAD no frequency). This variant has not been reported in the literature in individuals affected with APOB-related conditions. ClinVar contains an entry for this variant (Variation ID: 1755717). Advanced modeling of protein sequence and biophysical properties (such as structural, functional, and spatial information, amino acid conservation, physicochemical variation, residue mobility, and thermodynamic stability) performed at Invitae indicates that this missense variant is not expected to disrupt APOB protein function with a negative predictive value of 95%. In summary, the available evidence is currently insufficient to determine the role of this variant in disease. Therefore, it has been classified as a Variant of Uncertain Significance.